The following is an entry in ClinVar:

NM_025132.4(WDR19):c.1356+4A>G

Gene: WDR19 (WD repeat domain 19; plus strand). Cytogenetic location: 4p14.
Variant type: single nucleotide variant.
Coding change: c.1356+4A>G on transcript NM_025132.4 (MANE Select); 4 bases into the intron after coding-DNA position 1356, A replaced by G.
Molecular consequence: intron variant.
Genome position (GRCh38, 1-based): chr4:39,217,244, A>G. VCF-style: chr4-39217244-A-G. GRCh37 (hg19) VCF-style: chr4-39218864-A-G.
Other names: c.876+4A>G (NM_001317924.2).
Identifiers: ClinVar variation 1967436 (VCV001967436.5), dbSNP rs1729157817, ClinGen allele CA1452013818.

ClinVar aggregate classification (germline): Uncertain significance (1 of 4 stars; one submission).

Conditions:
Senior-Loken syndrome 8 (SLSN8). Identifiers: Orphanet 3156, MedGen C4225376, MONDO:0014579, OMIM 616307.
Asphyxiating thoracic dystrophy 5 (SRTD5). Also called: SHORT-RIB THORACIC DYSPLASIA 5 WITHOUT POLYDACTYLY; SHORT-RIB THORACIC DYSPLASIA 5 WITH OR WITHOUT POLYDACTYLY. Identifiers: Orphanet 474, MedGen C3280598, MONDO:0013717, OMIM 614376.

Allele frequency attached by ClinVar (database versions not stated): TOPMed below 0.00001.

Submission:

Labcorp Genetics (formerly Invitae), Labcorp
Classification: Uncertain significance for Senior-Loken syndrome 8; Asphyxiating thoracic dystrophy 5. Last evaluated: 2022-11-15. Review status: criteria provided, single submitter. Criteria: Invitae Variant Classification Sherloc (09022015). Collection method: clinical testing. Allele origin: germline.
Comment: This sequence change falls in intron 13 of the WDR19 gene. It does not directly change the encoded amino acid sequence of the WDR19 protein. It affects a nucleotide within the consensus splice site. This variant is not present in population databases (gnomAD no frequency). This variant has not been reported in the literature in individuals affected with WDR19-related conditions. Variants that disrupt the consensus splice site are a relatively common cause of aberrant splicing (PMID: 17576681, 9536098). Algorithms developed to predict the effect of sequence changes on RNA splicing suggest that this variant is not likely to affect RNA splicing. In summary, the available evidence is currently insufficient to determine the role of this variant in disease. Therefore, it has been classified as a Variant of Uncertain Significance.

Literature cited by the submitters: PubMed 17576681; PubMed 9536098.